The following is an entry in ClinVar:

ClinVar aggregate classification (germline): Uncertain significance (1 of 4 stars; one submission).

Conditions:
Hereditary cancer-predisposing syndrome. Also called: Tumor predisposition; Hereditary neoplastic syndrome; Hereditary Cancer Syndrome; Neoplastic Syndromes, Hereditary. Identifiers: Orphanet 140162, MedGen C0027672, MeSH D009386, MONDO:0015356.

Submission:

Ambry Genetics
Classification: Uncertain significance for Hereditary cancer-predisposing syndrome. Last evaluated: 2023-12-20. Review status: criteria provided, single submitter. Criteria: Ambry Variant Classification Scheme 2023. Collection method: clinical testing. Allele origin: germline.
Comment: The p.E379G variant (also known as c.1136A>G), located in coding exon 4 of the AXIN2 gene, results from an A to G substitution at nucleotide position 1136. The glutamic acid at codon 379 is replaced by glycine, an amino acid with similar properties. This amino acid position is conserved. In addition, this alteration is predicted to be deleterious by in silico analysis. Since supporting evidence is limited at this time, the clinical significance of this alteration remains unclear.

NM_004655.4(AXIN2):c.1136A>G (p.Glu379Gly)

Gene: AXIN2 (axin 2; minus strand). Cytogenetic location: 17q24.1.
Variant type: single nucleotide variant.
Coding change: c.1136A>G on transcript NM_004655.4 (MANE Select); coding-DNA position 1136, A replaced by G.
Protein change: p.Glu379Gly; replaces glutamic acid 379 with glycine.
Molecular consequence: missense variant.
Genome position (GRCh38, 1-based): chr17:65,538,267, T>C on the plus strand (A>G on the coding strand, the complement: AXIN2 is on the minus strand). VCF-style: chr17-65538267-T-C. GRCh37 (hg19) VCF-style: chr17-63534385-T-C.
Other names: c.1136A>G, p.Glu379Gly (NM_001363813.1); short protein forms E379G.
Identifiers: ClinVar variation 3224344 (VCV003224344.1), dbSNP rs2544182321, ClinGen allele CA400678352.